The following is an entry in ClinVar:

NM_000552.5(VWF):c.545C>T (p.Ser182Leu)

Gene: VWF (von Willebrand factor; minus strand). Cytogenetic location: 12p13.31.
Variant type: single nucleotide variant.
Coding change: c.545C>T on transcript NM_000552.5 (MANE Select); coding-DNA position 545, C replaced by T.
Protein change: p.Ser182Leu; replaces serine 182 with leucine.
Molecular consequence: missense variant.
Genome position (GRCh38, 1-based): chr12:6,095,572, G>A on the plus strand (C>T on the coding strand, the complement: VWF is on the minus strand). VCF-style: chr12-6095572-G-A. GRCh37 (hg19) VCF-style: chr12-6204738-G-A.
Other names: short protein forms S182L.
Identifiers: ClinVar variation 2691467 (VCV002691467.2), dbSNP rs372719492, ClinGen allele CA6403760.
Genomic context (GRCh38, chr12:6,095,572, plus strand): 5'-CGTTCACACCACTGTTCTCCACTGCTCAGAGCCCATGAGTTGGCAAAGTCATAAGGGTCC[G>A]AGGTCAAGGTCCCTGTGGAGGAAAGTTTCAGGAAAGTAATGCTTCAGTTATGCCTGTCCC-3'
Protein context (NP_000543.3, residues 172-192): DFMTQEGTLT[Ser182Leu]DPYDFANSWA

ClinVar aggregate classification (germline): Uncertain significance. Review status: criteria provided, multiple submitters, no conflicts (2 of 4 stars). 2 submissions from 2 submitters: Uncertain significance (2). Last evaluated 2023-12-05.

Allele frequency attached by ClinVar (database versions not stated): gnomAD exomes 0.00002; ExAC 0.00003; TOPMed 0.00003; gnomAD 0.00004; ESP Exome Variant Server 0.00008.
gnomAD v4.1: 32 of 1,614,062 alleles (0.002%); highest among the groups gnomAD compares: East Asian, 0.02%; no homozygotes.

Submissions (2):

Women's Health and Genetics/Laboratory Corporation of America, LabCorp
Classification: Uncertain significance. Last evaluated: 2023-12-05. Review status: criteria provided, single submitter. Criteria: LabCorp Variant Classification Summary - May 2015. Collection method: clinical testing. Allele origin: germline.
Comment: Variant summary: VWF c.545C>T (p.Ser182Leu) results in a non-conservative amino acid change located in the von Willebrand factor, type D domain (IPR001846) of the encoded protein sequence. Three of five in-silico tools predict a damaging effect of the variant on protein function. The variant allele was found at a frequency of 4.4e-05 in 251476 control chromosomes. To our knowledge, no occurrence of c.545C>T in individuals affected with Von Willebrand Disease and no experimental evidence demonstrating its impact on protein function have been reported. No submitters have cited clinical-significance assessments for this variant to ClinVar after 2014. Based on the evidence outlined above, the variant was classified as uncertain significance.

Blueprint Genetics
Classification: Uncertain significance. Last evaluated: 2022-03-18. Review status: criteria provided, single submitter. Criteria: ACMG Guidelines, 2015. Collection method: clinical testing. Allele origin: germline.